The following is an entry in ClinVar:

ClinVar aggregate classification (germline): Uncertain significance (1 of 4 stars; one submission).

Conditions:
CHD8-related disorder. Also called: CHD8-related condition; CHD8-related disorders.

gnomAD v4.1: 1 of 1,613,902 alleles (0.000062%); highest among the groups gnomAD compares: African/African-American, 0.0013%; no homozygotes.

Submission:

PreventionGenetics, part of Exact Sciences
Classification: Uncertain significance for CHD8-related condition. Last evaluated: 2026-03-06. Review status: criteria provided, single submitter. Criteria: ACMG Guidelines, 2015. Collection method: clinical testing. Allele origin: germline.
Comment: The CHD8 c.1321G>A variant is predicted to result in the amino acid substitution p.Gly441Arg. To our knowledge, this variant has not been reported in the literature or in a large population database (gnomAD), indicating this variant is rare. At this time, the clinical significance of this variant is uncertain due to the absence of conclusive functional and genetic evidence.

NM_001170629.2(CHD8):c.1321G>A (p.Gly441Arg)

Gene: CHD8 (chromodomain helicase DNA binding protein 8; minus strand). Cytogenetic location: 14q11.2.
Variant type: single nucleotide variant.
Coding change: c.1321G>A on transcript NM_001170629.2 (MANE Select); coding-DNA position 1321, G replaced by A.
Protein change: p.Gly441Arg; replaces glycine 441 with arginine.
Molecular consequence: missense variant.
Genome position (GRCh38, 1-based): chr14:21,428,149, C>T on the plus strand (G>A on the coding strand, the complement: CHD8 is on the minus strand). VCF-style: chr14-21428149-C-T. GRCh37 (hg19) VCF-style: chr14-21896308-C-T.
Other names: c.484G>A, p.Gly162Arg (NM_020920.4); short protein forms G162R, G441R.
Identifiers: ClinVar variation 4994416 (VCV004994416.1).